The following is an entry in ClinVar:

NM_152564.5(VPS13B):c.11147G>A (p.Arg3716Gln)

Gene: VPS13B (vacuolar protein sorting 13 homolog B; plus strand). Cytogenetic location: 8q22.2.
Variant type: single nucleotide variant.
Coding change: c.11147G>A on transcript NM_152564.5 (MANE Select); coding-DNA position 11147, G replaced by A.
Protein change: p.Arg3716Gln; replaces arginine 3716 with glutamine.
Molecular consequence: missense variant.
Genome position (GRCh38, 1-based): chr8:99,861,878, G>A. VCF-style: chr8-99861878-G-A. GRCh37 (hg19) VCF-style: chr8-100874106-G-A.
Other names: c.11222G>A, p.Arg3741Gln (NM_017890.5); short protein forms R3716Q, R3741Q.
Identifiers: ClinVar variation 3353836 (VCV003353836.1).

ClinVar aggregate classification (germline): Uncertain significance (0 of 4 stars; one submission).

Conditions:
VPS13B-related disorder. Also called: VPS13B-related condition.

gnomAD v4.1: 12 of 1,596,494 alleles (0.00075%); highest among the groups gnomAD compares: South Asian, 0.0045%; no homozygotes.

Submission:

PreventionGenetics, part of Exact Sciences
Classification: Uncertain significance for VPS13B-related condition. Last evaluated: 2023-12-26. Review status: no assertion criteria provided. Collection method: clinical testing. Allele origin: germline.
Comment: The VPS13B c.11147G>A variant is predicted to result in the amino acid substitution p.Arg3716Gln. To our knowledge, this variant has not been reported in the literature. This variant is reported in 0.0078% of alleles in individuals of African descent in gnomAD. At this time, the clinical significance of this variant is uncertain due to the absence of conclusive functional and genetic evidence.